The following is an entry in ClinVar:

NM_005245.4(FAT1):c.1889T>C (p.Leu630Pro)

Gene: FAT1 (FAT atypical cadherin 1; minus strand). Cytogenetic location: 4q35.2.
Variant type: single nucleotide variant.
Coding change: c.1889T>C on transcript NM_005245.4 (MANE Select); coding-DNA position 1889, T replaced by C.
Protein change: p.Leu630Pro; replaces leucine 630 with proline.
Molecular consequence: missense variant.
Genome position (GRCh38, 1-based): chr4:186,707,939, A>G on the plus strand (T>C on the coding strand, the complement: FAT1 is on the minus strand). VCF-style: chr4-186707939-A-G. GRCh37 (hg19) VCF-style: chr4-187629093-A-G.
Other names: c.1889T>C (NM_005245.3); short protein forms L630P.
Identifiers: ClinVar variation 2153917 (VCV002153917.6), dbSNP rs199900333, ClinGen allele CA3167361.

ClinVar aggregate classification (germline): Uncertain significance. Review status: criteria provided, multiple submitters, no conflicts (2 of 4 stars). 5 submissions from 5 submitters: Uncertain significance (5). Last evaluated 2024-09-25.

Conditions:
FAT1-related disorder. Also called: FAT1-related condition.
Inborn genetic diseases. Identifiers: MedGen C0950123, MeSH D030342.

Allele frequency attached by ClinVar (database versions not stated): gnomAD 0.00017; TOPMed 0.00020; ExAC 0.00028; gnomAD exomes 0.00029; ESP Exome Variant Server 0.00042.
gnomAD v4.1: 448 of 1,613,908 alleles (0.028%); highest among the groups gnomAD compares: Non-Finnish European, 0.035%; no homozygotes.

Submissions (5):

GeneDx
Classification: Uncertain significance. Last evaluated: 2024-09-25. Review status: criteria provided, single submitter. Criteria: GeneDx Variant Classification Process June 2021. Collection method: clinical testing. Allele origin: germline. Affected: yes.
Comment: In silico analysis supports that this missense variant has a deleterious effect on protein structure/function; Has not been previously published as pathogenic or benign to our knowledge

Blueprint Genetics
Classification: Uncertain significance. Last evaluated: 2024-08-19. Review status: criteria provided, single submitter. Criteria: ACMG Guidelines, 2015. Collection method: clinical testing. Allele origin: germline.

Labcorp Genetics (formerly Invitae), Labcorp
Classification: Uncertain significance. Last evaluated: 2023-10-22. Review status: criteria provided, single submitter. Criteria: Invitae Variant Classification Sherloc (09022015). Collection method: clinical testing. Allele origin: germline.
Comment: This sequence change replaces leucine, which is neutral and non-polar, with proline, which is neutral and non-polar, at codon 630 of the FAT1 protein (p.Leu630Pro). This variant is present in population databases (rs199900333, gnomAD 0.05%). This variant has not been reported in the literature in individuals affected with FAT1-related conditions. ClinVar contains an entry for this variant (Variation ID: 2153917). Advanced modeling of protein sequence and biophysical properties (such as structural, functional, and spatial information, amino acid conservation, physicochemical variation, residue mobility, and thermodynamic stability) performed at Invitae indicates that this missense variant is expected to disrupt FAT1 protein function. In summary, the available evidence is currently insufficient to determine the role of this variant in disease. Therefore, it has been classified as a Variant of Uncertain Significance.

PreventionGenetics, part of Exact Sciences
Classification: Uncertain significance for FAT1-related condition. Last evaluated: 2022-12-18. Review status: criteria provided, single submitter. Criteria: ACMG Guidelines, 2015. Collection method: clinical testing. Allele origin: germline.
Comment: The FAT1 c.1889T>C variant is predicted to result in the amino acid substitution p.Leu630Pro. To our knowledge, this variant has not been reported in the literature. This variant is reported in 0.050% of alleles in individuals of European (Non-Finnish) descent in gnomAD. Although we suspect that this variant may be benign, at this time, the clinical significance of this variant is uncertain due to the absence of conclusive functional and genetic evidence.

Ambry Genetics
Classification: Uncertain significance for Inborn genetic diseases. Last evaluated: 2022-08-11. Review status: criteria provided, single submitter. Criteria: Ambry Variant Classification Scheme 2023. Collection method: clinical testing. Allele origin: germline.